The following is an entry in ClinVar:

NM_000245.4(MET):c.2697C>A (p.Asp899Glu)

Gene: MET (MET proto-oncogene, receptor tyrosine kinase; plus strand). Cytogenetic location: 7q31.2.
Variant type: single nucleotide variant.
Coding change: c.2697C>A on transcript NM_000245.4 (MANE Select); coding-DNA position 2697, C replaced by A.
Protein change: p.Asp899Glu; replaces aspartic acid 899 with glutamic acid.
Molecular consequence: missense variant.
Genome position (GRCh38, 1-based): chr7:116,769,758, C>A. VCF-style: chr7-116769758-C-A. GRCh37 (hg19) VCF-style: chr7-116409812-C-A.
Other names: c.2751C>A, p.Asp917Glu (NM_001127500.3); c.2697C>A, p.Asp899Glu (NM_001324401.3); c.1407C>A, p.Asp469Glu (NM_001324402.2); short protein forms D469E, D917E, D899E.
Identifiers: ClinVar variation 4827490 (VCV004827490.1).

ClinVar aggregate classification (germline): Uncertain significance (1 of 4 stars; one submission).

Conditions:
Hereditary cancer-predisposing syndrome. Also called: Neoplastic Syndromes, Hereditary; Tumor predisposition; Hereditary Cancer Syndrome; Hereditary neoplastic syndrome. Identifiers: Orphanet 140162, MedGen C0027672, MeSH D009386, MONDO:0015356.

gnomAD v4.1: 1 of 1,613,676 alleles (0.000062%); highest among the groups gnomAD compares: Non-Finnish European, 0.000085%; no homozygotes.

Submission:

Ambry Genetics
Classification: Uncertain significance for Hereditary cancer-predisposing syndrome. Last evaluated: 2026-02-25. Review status: criteria provided, single submitter. Criteria: Ambry Variant Classification Scheme 2023. Collection method: clinical testing. Allele origin: germline.
Comment: The p.D917E variant (also known as c.2751C>A), located in coding exon 11 of the MET gene, results from a C to A substitution at nucleotide position 2751. The aspartic acid at codon 917 is replaced by glutamic acid, an amino acid with highly similar properties. This amino acid position is conserved. In addition, this alteration is predicted to be tolerated by in silico analysis. Based on the available evidence, the clinical significance of this variant remains unclear.